The following is an entry in ClinVar:

ClinVar aggregate classification (germline): Conflicting classifications of pathogenicity. Review status: criteria provided, conflicting classifications (1 of 4 stars). 2 submissions from 2 submitters: Uncertain significance (1); Likely benign (1). Last evaluated 2025-06-12.

Allele frequency attached by ClinVar (database versions not stated): ExAC 0.00002; gnomAD exomes 0.00003; TOPMed 0.00003.
gnomAD v4.1: 62 of 1,610,556 alleles (0.0038%); highest among the groups gnomAD compares: Non-Finnish European, 0.0043%; no homozygotes.

Submissions (2):

Labcorp Genetics (formerly Invitae), Labcorp
Classification: Likely benign. Last evaluated: 2025-06-12. Review status: criteria provided, single submitter. Criteria: Invitae Variant Classification Sherloc (09022015). Collection method: clinical testing. Allele origin: germline.

GeneDx
Classification: Uncertain significance. Last evaluated: 2024-08-02. Review status: criteria provided, single submitter. Criteria: GeneDx Variant Classification Process June 2021. Collection method: clinical testing. Allele origin: germline. Affected: yes.
Comment: Not observed at significant frequency in large population cohorts (gnomAD); In silico analysis indicates that this variant does not alter splicing; Has not been previously published as pathogenic or benign to our knowledge

NM_015404.4(WHRN):c.2412C>T (p.Asn804=)

Gene: WHRN (whirlin; minus strand). Cytogenetic location: 9q32.
Variant type: single nucleotide variant.
Coding change: c.2412C>T on transcript NM_015404.4 (MANE Select); coding-DNA position 2412, C replaced by T.
Protein change: p.Asn804=; no amino-acid change (asparagine 804 retained).
Molecular consequence: synonymous variant.
Genome position (GRCh38, 1-based): chr9:114,403,902, G>A on the plus strand (C>T on the coding strand, the complement: WHRN is on the minus strand). VCF-style: chr9-114403902-G-A. GRCh37 (hg19) VCF-style: chr9-117166182-G-A.
Other names: c.2412C>T (NM_015404.2); c.1263C>T, p.Asn421= (NM_001083885.3); c.2409C>T, p.Asn803= (NM_001173425.2); c.1359C>T, p.Asn453= (NM_001346890.1).
Identifiers: ClinVar variation 1620843 (VCV001620843.9), dbSNP rs752996781, ClinGen allele CA5205647.
Genomic context (GRCh38, chr9:114,403,902, plus strand): 5'-TGCCTGGGGCCCGTGTTCCTCTCAGCCCTCTGCATCCTCCTCCTCCTGGCTCACCGGTTT[G>A]TTGGCCCCATCTGTGGGCCTCTCGTTCCGAGGCAGCTCCTTGCTACTCCTGCTCTTGGTG-3'
Protein context (NP_056219.3, residues 794-814): PRNERPTDGA[Asn804=]KPPGLLEPTS